The following is an entry in ClinVar:

ClinVar aggregate classification (germline): Pathogenic/Likely pathogenic. Review status: criteria provided, multiple submitters, no conflicts (2 of 4 stars). 5 submissions from 5 submitters: Pathogenic (4); Likely pathogenic (1). Last evaluated 2024-11-21.

Conditions:
Familial X-linked hypophosphatemic vitamin D refractory rickets (XLHRD). Also called: X-Linked Hypophosphatemia; Hypophosphatemic Rickets, X-Linked Dominant; HYPOPHOSPHATEMIC VITAMIN D-RESISTANT RICKETS; Hypophosphatemia, vitamin D-resistant rickets; Vitamin D-resistant rickets, X-linked. Identifiers: Orphanet 89936, MedGen C0733682, MONDO:0010619, OMIM 307800.

Submissions (6):

Women's Health and Genetics/Laboratory Corporation of America, LabCorp
Classification: Pathogenic for Familial X-linked hypophosphatemic vitamin D refractory rickets. Last evaluated: 2024-11-21. Review status: criteria provided, single submitter. Criteria: LabCorp Variant Classification Summary - May 2015. Collection method: clinical testing. Allele origin: germline.
Comment: Variant summary: PHEX c.591A>G alters a non-conserved nucleotide resulting in a synonymous change. Several computational tools predict a significant impact on normal splicing: Three predict the variant creates a 5' donor site. Two predict the variant creates a 3' acceptor site. Three predict the variant abolishes a cryptic 3' acceptor site. At least one publication reports experimental evidence that this variant affects mRNA splicing in patient samples (example, Cao_2022, Liao_2018) by deleting 77 bp from the 3' end of exon 5, resulting in a predicted frameshift (example, Cao_2022, Liao_2018). mRNA expression data from patient samples indicated female carriers have approximately half PHEX mRNA levels of wild type controls, suggesting nonsense mediated decay (Liao_2018), but results in male hemizygous sample(s) were unclear. The variant was absent in 183360 control chromosomes. c.591A>G has been reported in the literature in the heterozygous or hemizygous state in multiple related individuals affected with X-Linked Hypophosphatemic Rickets (example, Cao_2022, Liao_2018). These data indicate that the variant is very likely to be associated with disease. The following publications have been ascertained in the context of this evaluation (PMID: 35842615, 29393334). ClinVar contains an entry for this variant (Variation ID: 438544). Based on the evidence outlined above, the variant was classified as pathogenic.

Labcorp Genetics (formerly Invitae), Labcorp
Classification: Pathogenic. Last evaluated: 2023-02-27. Review status: criteria provided, single submitter. Criteria: Invitae Variant Classification Sherloc (09022015). Collection method: clinical testing. Allele origin: germline.
Comment: For these reasons, this variant has been classified as Pathogenic. Studies have shown that this variant results in activation of a cryptic splice site and introduces a premature termination codon (PMID: 29393334). The resulting mRNA is expected to undergo nonsense-mediated decay. ClinVar contains an entry for this variant (Variation ID: 438544). This variant has been observed in individual(s) with hypophosphatemic rickets (PMID: 21902834, 29393334, 30682568). In at least one individual the variant was observed to be de novo. It has also been observed to segregate with disease in related individuals. This variant is not present in population databases (gnomAD no frequency). This sequence change affects codon 197 of the PHEX mRNA. It is a 'silent' change, meaning that it does not change the encoded amino acid sequence of the PHEX protein. RNA analysis indicates that this variant induces altered splicing and may result in an absent or disrupted protein product.

Revvity Omics, Revvity
Classification: Pathogenic for Familial X-linked hypophosphatemic vitamin D refractory rickets. Last evaluated: 2022-03-21. Review status: criteria provided, single submitter. Criteria: ACMG Guidelines, 2015. Collection method: clinical testing. Allele origin: germline.

Mendelics
Classification: Likely pathogenic for Familial X-linked hypophosphatemic vitamin D refractory rickets. Last evaluated: 2019-05-28. Review status: criteria provided, single submitter. Criteria: Mendelics Assertion Criteria 2017. Collection method: clinical testing. Allele origin: unknown.

Institute of Human Genetics Munich, TUM University Hospital
Classification: Pathogenic for Familial X-linked hypophosphatemic vitamin D refractory rickets. Last evaluated: 2013-11-06. Review status: criteria provided, single submitter. Criteria: Classification criteria August 2017. Collection method: clinical testing. Allele origin: germline, maternal. Inheritance: X-linked inheritance. Affected: yes. Observed: 2 heterozygotes.

Dr. Peter K. Rogan Lab, Western University
No classification provided (evidence only). Condition: Thyroid cancer, nonmedullary, 1. Review status: no classification provided. Collection method: in vitro. Allele origin: not applicable. Functional consequence: retained intron. Not counted in ClinVar's aggregate classification.

Literature cited by the submitters: PubMed 35842615 (cited by Women's Health and Genetics/Laboratory Corporation of America, LabCorp); PubMed 29393334 (cited by Women's Health and Genetics/Laboratory Corporation of America, LabCorp and Labcorp Genetics (formerly Invitae), Labcorp); PubMed 21902834 (cited by Labcorp Genetics (formerly Invitae), Labcorp); PubMed 30682568 (cited by Labcorp Genetics (formerly Invitae), Labcorp).

NM_000444.6(PHEX):c.591A>G (p.Gln197=)

Gene: PHEX (phosphate regulating endopeptidase X-linked; plus strand). Cytogenetic location: Xp22.11.
Variant type: single nucleotide variant.
Coding change: c.591A>G on transcript NM_000444.6 (MANE Select); coding-DNA position 591, A replaced by G.
Protein change: p.Gln197=; no amino-acid change (glutamine 197 retained).
Molecular consequence: synonymous variant.
Genome position (GRCh38, 1-based): chrX:22,077,630, A>G. VCF-style: chrX-22077630-A-G. GRCh37 (hg19) VCF-style: chrX-22095748-A-G.
Other names: c.591A>G, p.Gln197= (NM_001282754.2).
Identifiers: ClinVar variation 438544 (VCV000438544.20), dbSNP rs1556020818, ClinGen allele CA515429669.